The following is an entry in ClinVar:

ClinVar aggregate classification (germline): Uncertain significance (1 of 4 stars; one submission).

Conditions:
Long QT syndrome 10 (LQT10). Identifiers: Orphanet 101016, Orphanet 768, MedGen C2678484, MONDO:0012737, OMIM 611819.

gnomAD v4.1: 2 of 1,613,956 alleles (0.00012%); highest among the groups gnomAD compares: East Asian, 0.0045%; no homozygotes.

Submission:

Labcorp Genetics (formerly Invitae), Labcorp
Classification: Uncertain significance for Long QT syndrome 10. Last evaluated: 2023-08-19. Review status: criteria provided, single submitter. Criteria: Invitae Variant Classification Sherloc (09022015). Collection method: clinical testing. Allele origin: germline.
Comment: In summary, the available evidence is currently insufficient to determine the role of this variant in disease. Therefore, it has been classified as a Variant of Uncertain Significance. An algorithm developed to predict the effect of missense changes on protein structure and function (PolyPhen-2) suggests that this variant is likely to be disruptive. This variant has not been reported in the literature in individuals affected with SCN4B-related conditions. This variant is not present in population databases (gnomAD no frequency). This sequence change replaces serine, which is neutral and polar, with alanine, which is neutral and non-polar, at codon 218 of the SCN4B protein (p.Ser218Ala).

NM_174934.4(SCN4B):c.652T>G (p.Ser218Ala)

Gene: SCN4B (sodium voltage-gated channel beta subunit 4; minus strand). Cytogenetic location: 11q23.3.
Variant type: single nucleotide variant.
Coding change: c.652T>G on transcript NM_174934.4 (MANE Select); coding-DNA position 652, T replaced by G.
Protein change: p.Ser218Ala; replaces serine 218 with alanine.
Molecular consequence: missense variant. On other transcripts: non-coding transcript variant (1).
Genome position (GRCh38, 1-based): chr11:118,137,062, A>C on the plus strand (T>G on the coding strand, the complement: SCN4B is on the minus strand). VCF-style: chr11-118137062-A-C. GRCh37 (hg19) VCF-style: chr11-118007777-A-C.
Other names: c.250T>G, p.Ser84Ala (NM_001142348.2); c.322T>G, p.Ser108Ala (NM_001142349.2); short protein forms S218A, S84A, S108A.
Identifiers: ClinVar variation 2753946 (VCV002753946.3), dbSNP rs2497548845, ClinGen allele CA382776520.